The following is an entry in ClinVar:

NM_022336.4(EDAR):c.1174_1185del (p.Thr392_Met395del)

Genes: EDAR (ectodysplasin A receptor; minus strand), RANBP2 (RAN binding protein 2; plus strand). Cytogenetic location: 2q13.
Variant type: Deletion.
Coding change: c.1174_1185del on transcript NM_022336.4 (MANE Select); coding-DNA positions 1174 to 1185, 12 bases deleted (ACAGACGGCATG).
Protein change: p.Thr392_Met395del.
Molecular consequence: inframe deletion.
Genome position (GRCh38, 1-based): chr2:108,897,069-108,897,080, CATGCCGTCTGT deleted on the plus strand (ACAGACGGCATG on the coding strand, the reverse complement: EDAR is on the minus strand); deleting any 12 consecutive bases within chr2:108,897,069-108,897,086 gives the same sequence; the c. name uses the placement nearest the transcript's 3' end. VCF-style (leftmost placement, unchanged base first): chr2-108897068-GCATGCCGTCTGT-G. GRCh37 (hg19) VCF-style: chr2-109513524-GCATGCCGTCTGT-G.
Identifiers: ClinVar variation 2947031 (VCV002947031.3), dbSNP rs2470613098, ClinGen allele CA2740095682.

ClinVar aggregate classification (germline): Uncertain significance (1 of 4 stars; one submission).

Conditions:
Ectodermal dysplasia 10A, hypohidrotic/hair/nail type, autosomal dominant (ECTD10A). Also called: Ectodermal Dysplasia 3, Anhidrotic. Identifiers: Orphanet 1810, Orphanet 238468, MedGen C3888065, MONDO:0007509, OMIM 129490.
Autosomal recessive hypohidrotic ectodermal dysplasia syndrome. Also called: Autosomal recessive hypohidrotic ectodermal dysplasia. Identifiers: Orphanet 248, MedGen C0406702, MONDO:0016619.

Submission:

Labcorp Genetics (formerly Invitae), Labcorp
Classification: Uncertain significance for Ectodermal dysplasia 10A, hypohidrotic/hair/nail type, autosomal dominant; Autosomal recessive hypohidrotic ectodermal dysplasia syndrome. Last evaluated: 2023-04-23. Review status: criteria provided, single submitter. Criteria: Invitae Variant Classification Sherloc (09022015). Collection method: clinical testing. Allele origin: germline.
Comment: In summary, the available evidence is currently insufficient to determine the role of this variant in disease. Therefore, it has been classified as a Variant of Uncertain Significance. Experimental studies and prediction algorithms are not available or were not evaluated, and the functional significance of this variant is currently unknown. This variant has not been reported in the literature in individuals affected with EDAR-related conditions. This variant is not present in population databases (gnomAD no frequency). This variant, c.1174_1185del, results in the deletion of 4 amino acid(s) of the EDAR protein (p.Thr392_Met395del), but otherwise preserves the integrity of the reading frame.